The following is an entry in ClinVar:

NM_005529.7(HSPG2):c.8245G>A (p.Val2749Met)

Gene: HSPG2 (heparan sulfate proteoglycan 2; minus strand). Cytogenetic location: 1p36.12.
Variant type: single nucleotide variant.
Coding change: c.8245G>A on transcript NM_005529.7 (MANE Select); coding-DNA position 8245, G replaced by A.
Protein change: p.Val2749Met; replaces valine 2749 with methionine.
Molecular consequence: missense variant.
Genome position (GRCh38, 1-based): chr1:21,846,519, C>T on the plus strand (G>A on the coding strand, the complement: HSPG2 is on the minus strand). VCF-style: chr1-21846519-C-T. GRCh37 (hg19) VCF-style: chr1-22173012-C-T.
Other names: c.8248G>A, p.Val2750Met (NM_001291860.2); short protein forms V2750M, V2749M.
Identifiers: ClinVar variation 1926491 (VCV001926491.4), dbSNP rs755573009, ClinGen allele CA670859.

ClinVar aggregate classification (germline): Uncertain significance (1 of 4 stars; one submission).

Allele frequency attached by ClinVar (database versions not stated): ExAC 0.00004.
gnomAD v4.1: 27 of 1,613,630 alleles (0.0017%); highest among the groups gnomAD compares: Middle Eastern, 0.016%; no homozygotes.

Submission:

Labcorp Genetics (formerly Invitae), Labcorp
Classification: Uncertain significance. Last evaluated: 2022-04-01. Review status: criteria provided, single submitter. Criteria: Invitae Variant Classification Sherloc (09022015). Collection method: clinical testing. Allele origin: germline.
Comment: In summary, the available evidence is currently insufficient to determine the role of this variant in disease. Therefore, it has been classified as a Variant of Uncertain Significance. Algorithms developed to predict the effect of missense changes on protein structure and function (SIFT, PolyPhen-2, Align-GVGD) all suggest that this variant is likely to be tolerated. This variant has not been reported in the literature in individuals affected with HSPG2-related conditions. This variant is present in population databases (rs755573009, gnomAD 0.02%). This sequence change replaces valine, which is neutral and non-polar, with methionine, which is neutral and non-polar, at codon 2749 of the HSPG2 protein (p.Val2749Met).